The following is an entry in ClinVar:

NM_001040108.2(MLH3):c.4257C>T (p.Leu1419=)

Gene: MLH3 (mutL homolog 3; minus strand). Cytogenetic location: 14q24.3.
Variant type: single nucleotide variant.
Coding change: c.4257C>T on transcript NM_001040108.2 (MANE Select); coding-DNA position 4257, C replaced by T.
Protein change: p.Leu1419=; no amino-acid change (leucine 1419 retained).
Molecular consequence: synonymous variant.
Genome position (GRCh38, 1-based): chr14:75,017,187, G>A on the plus strand (C>T on the coding strand, the complement: MLH3 is on the minus strand). VCF-style: chr14-75017187-G-A. GRCh37 (hg19) VCF-style: chr14-75483890-G-A.
Other names: c.4185C>T, p.Leu1395= (NM_014381.3).
Identifiers: ClinVar variation 1739133 (VCV001739133.3), dbSNP rs751799620, ClinGen allele CA7275170.

ClinVar aggregate classification (germline): Benign/Likely benign. Review status: criteria provided, multiple submitters, no conflicts (2 of 4 stars). 2 submissions from 2 submitters: Benign (1); Likely benign (1). Last evaluated 2026-05-06.

Conditions:
Colorectal cancer, hereditary nonpolyposis, type 7. Identifiers: Orphanet 144, MedGen C1858380, MONDO:0013725, OMIM 614385.

Allele frequency attached by ClinVar (database versions not stated): TOPMed 0.00003; ExAC 0.00001.

Submissions (2):

Myriad Genetics, Inc.
Classification: Benign for Colorectal cancer, hereditary nonpolyposis, type 7. Last evaluated: 2026-05-06. Review status: criteria provided, single submitter. Criteria: Myriad Autosomal Dominant, Autosomal Recessive and X-Linked Classification Criteria (2023). Collection method: clinical testing. Allele origin: unknown.
Comment: This variant is considered benign. This variant is a silent/synonymous amino acid change and it is not expected to impact splicing.

Ambry Genetics
Classification: Likely benign. Last evaluated: 2020-09-28. Review status: criteria provided, single submitter. Criteria: Ambry Variant Classification Scheme 2023. Collection method: clinical testing. Allele origin: germline.